The following is an entry in ClinVar:

ClinVar aggregate classification (germline): Uncertain significance. Review status: criteria provided, multiple submitters, no conflicts (2 of 4 stars). 2 submissions from 2 submitters: Uncertain significance (2). Last evaluated 2023-10-01.

Conditions:
Retinal dystrophy. Also called: Inherited retinal dystrophy. Identifiers: Orphanet 71862, MedGen C0854723, MeSH D058499, MONDO:0019118, HP:0000556.

Allele frequency attached by ClinVar (database versions not stated): TOPMed 0.00001.
gnomAD v4.1: 1 of 1,612,962 alleles (0.000062%); highest among the groups gnomAD compares: East Asian, 0.0022%; no homozygotes.

Submissions (2):

Dept Of Ophthalmology, Nagoya University
Classification: Uncertain significance for Retinal dystrophy. Last evaluated: 2023-10-01. Review status: criteria provided, single submitter. Criteria: Submitter's publication. Collection method: research. Allele origin: germline. Affected: yes.

Labcorp Genetics (formerly Invitae), Labcorp
Classification: Uncertain significance. Last evaluated: 2021-08-11. Review status: criteria provided, single submitter. Criteria: Invitae Variant Classification Sherloc (09022015). Collection method: clinical testing. Allele origin: germline.
Comment: This variant has not been reported in the literature in individuals affected with RBP3-related conditions. In summary, the available evidence is currently insufficient to determine the role of this variant in disease. Therefore, it has been classified as a Variant of Uncertain Significance. Algorithms developed to predict the effect of missense changes on protein structure and function are either unavailable or do not agree on the potential impact of this missense change (SIFT: "Deleterious"; PolyPhen-2: "Benign"; Align-GVGD: "Class C0"). This variant is not present in population databases (ExAC no frequency). This sequence change replaces threonine with isoleucine at codon 727 of the RBP3 protein (p.Thr727Ile). The threonine residue is weakly conserved and there is a moderate physicochemical difference between threonine and isoleucine.

NM_002900.3(RBP3):c.2180C>T (p.Thr727Ile)

Gene: RBP3 (retinol binding protein 3; plus strand). Cytogenetic location: 10q11.22.
Variant type: single nucleotide variant.
Coding change: c.2180C>T on transcript NM_002900.3 (MANE Select); coding-DNA position 2180, C replaced by T.
Protein change: p.Thr727Ile; replaces threonine 727 with isoleucine.
Molecular consequence: missense variant.
Genome position (GRCh38, 1-based): chr10:47,350,664, C>T. VCF-style: chr10-47350664-C-T. GRCh37 (hg19) VCF-style: chr10-48388698-G-A.
Other names: short protein forms T727I.
Identifiers: ClinVar variation 1374011 (VCV001374011.7), dbSNP rs1371511644, ClinGen allele CA376672325.